The following is an entry in ClinVar:

NM_005219.5(DIAPH1):c.1891C>G (p.Pro631Ala)

Gene: DIAPH1 (diaphanous related formin 1; minus strand). Cytogenetic location: 5q31.3.
Variant type: single nucleotide variant.
Coding change: c.1891C>G on transcript NM_005219.5 (MANE Select); coding-DNA position 1891, C replaced by G.
Protein change: p.Pro631Ala; replaces proline 631 with alanine.
Molecular consequence: missense variant.
Genome position (GRCh38, 1-based): chr5:141,573,959, G>C on the plus strand (C>G on the coding strand, the complement: DIAPH1 is on the minus strand). VCF-style: chr5-141573959-G-C. GRCh37 (hg19) VCF-style: chr5-140953526-G-C.
Other names: c.1864C>G, p.Pro622Ala (NM_001079812.3); c.1891C>G, p.Pro631Ala (NM_001314007.2); c.1891C>G (NM_005219.4); short protein forms P622A, P631A.
Identifiers: ClinVar variation 1395888 (VCV001395888.9), dbSNP rs769926497, ClinGen allele CA3479192.

ClinVar aggregate classification (germline): Uncertain significance. Review status: criteria provided, multiple submitters, no conflicts (2 of 4 stars). 2 submissions from 2 submitters: Uncertain significance (2). Last evaluated 2025-08-08.

Conditions:
Progressive microcephaly-seizures-cortical blindness-developmental delay syndrome. Also called: Seizures, cortical blindness, and microcephaly syndrome. Identifiers: Orphanet 477814, MedGen C5567650, MONDO:0014714, OMIM 616632.
Autosomal dominant nonsyndromic hearing loss 1. Also called: DEAFNESS, AUTOSOMAL DOMINANT 1, WITH OR WITHOUT THROMBOCYTOPENIA; KONIGSMARK SYNDROME. Identifiers: Orphanet 90635, MedGen C1852282, MONDO:0007424, OMIM 124900.

Allele frequency attached by ClinVar (database versions not stated): gnomAD exomes 0.00001; ExAC 0.00010.
gnomAD v4.1: 12 of 1,551,696 alleles (0.00077%); highest among the groups gnomAD compares: South Asian, 0.0048%; no homozygotes.

Submissions (2):

GeneDx
Classification: Uncertain significance. Last evaluated: 2025-08-08. Review status: criteria provided, single submitter. Criteria: GeneDx Variant Classification Process June 2021. Collection method: clinical testing. Allele origin: germline. Affected: yes.
Comment: In silico analysis suggests that this missense variant does not alter protein structure/function; Has not been previously published as pathogenic or benign to our knowledge

Labcorp Genetics (formerly Invitae), Labcorp
Classification: Uncertain significance for Progressive microcephaly-seizures-cortical blindness-developmental delay syndrome; Autosomal dominant nonsyndromic hearing loss 1. Last evaluated: 2025-07-18. Review status: criteria provided, single submitter. Criteria: Invitae Variant Classification Sherloc (09022015). Collection method: clinical testing. Allele origin: germline.
Comment: This sequence change replaces proline, which is neutral and non-polar, with alanine, which is neutral and non-polar, at codon 631 of the DIAPH1 protein (p.Pro631Ala). This variant is present in population databases (rs769926497, gnomAD 0.009%). This variant has not been reported in the literature in individuals affected with DIAPH1-related conditions. ClinVar contains an entry for this variant (Variation ID: 1395888). Experimental studies and prediction algorithms are not available or were not evaluated, and the functional significance of this variant is currently unknown. In summary, the available evidence is currently insufficient to determine the role of this variant in disease. Therefore, it has been classified as a Variant of Uncertain Significance.